The following is an entry in ClinVar:

ClinVar aggregate classification (germline): Pathogenic (1 of 4 stars; one submission).

Submission:

GeneDx
Classification: Pathogenic. Last evaluated: 2017-08-24. Review status: criteria provided, single submitter. Criteria: GeneDx Variant Classification (06012015). Collection method: clinical testing. Allele origin: germline. Affected: yes.
Comment: The c.466delC pathogenic variant in the TBX5 gene causes a frameshift starting with codon Glutamine 156, changes this amino acid to an Arginine residue and creates a premature Stop codon at position 18 of the new reading frame, denoted p.Gln156ArgfsX18. This pathogenic variant is predicted to cause loss of normal protein function either through protein truncation or nonsense-mediated mRNA decay. The c.466delC variant was not observed in approximately 6,500 individuals of European and African American ancestry in the NHLBI Exome Sequencing Project, indicating it is not a common benign variant in these populations.

NM_181486.4(TBX5):c.466del (p.Gln156fs)

Gene: TBX5 (T-box transcription factor 5; minus strand). Cytogenetic location: 12q24.21.
Variant type: Deletion.
Coding change: c.466del on transcript NM_181486.4 (MANE Select); coding-DNA position 466, one base deleted (C; older notation c.466delC).
Protein change: p.Gln156fs; shifts the reading frame from glutamine 156.
Molecular consequence: frameshift variant.
Genome position (GRCh38, 1-based): chr12:114,398,617, G deleted on the plus strand (C on the coding strand, the reverse complement: TBX5 is on the minus strand); the first of 2 consecutive G bases (chr12:114,398,617-114,398,618); deleting either gives the same sequence. VCF-style (leftmost placement, unchanged base first): chr12-114398616-TG-T. GRCh37 (hg19) VCF-style: chr12-114836421-TG-T.
Other names: c.466del, p.Gln156fs (NM_000192.3); c.316del, p.Gln106fs (NM_080717.4); c.466delC (NM_000192.3); short protein forms Q106fs, Q156fs.
Identifiers: ClinVar variation 280392 (VCV000280392.2), dbSNP rs886041606, ClinGen allele CA10603297.